The following is an entry in ClinVar:

ClinVar aggregate classification (germline): Conflicting classifications of pathogenicity. Review status: criteria provided, conflicting classifications (1 of 4 stars). 2 submissions from 2 submitters: Uncertain significance (1); Likely benign (1). Last evaluated 2025-12-16.

Conditions:
Hereditary cancer-predisposing syndrome. Also called: Tumor predisposition; Hereditary neoplastic syndrome; Hereditary Cancer Syndrome; Neoplastic Syndromes, Hereditary. Identifiers: Orphanet 140162, MedGen C0027672, MeSH D009386, MONDO:0015356.
EGFR-related lung cancer (EGFR). Identifiers: MedGen CN130014.

Allele frequency attached by ClinVar (database versions not stated): TOPMed below 0.00001.

Submissions (2):

Ambry Genetics
Classification: Likely benign for Hereditary cancer-predisposing syndrome. Last evaluated: 2025-12-16. Review status: criteria provided, single submitter. Criteria: Ambry Variant Classification Scheme 2023. Collection method: clinical testing. Allele origin: germline.

Labcorp Genetics (formerly Invitae), Labcorp
Classification: Uncertain significance for EGFR-related lung cancer. Last evaluated: 2024-08-27. Review status: criteria provided, single submitter. Criteria: Invitae Variant Classification Sherloc (09022015). Collection method: clinical testing. Allele origin: germline.
Comment: This sequence change replaces histidine, which is basic and polar, with glutamine, which is neutral and polar, at codon 590 of the EGFR protein (p.His590Gln). This variant is not present in population databases (gnomAD no frequency). This variant has not been reported in the literature in individuals affected with EGFR-related conditions. ClinVar contains an entry for this variant (Variation ID: 972485). Invitae Evidence Modeling of protein sequence and biophysical properties (such as structural, functional, and spatial information, amino acid conservation, physicochemical variation, residue mobility, and thermodynamic stability) indicates that this missense variant is not expected to disrupt EGFR protein function with a negative predictive value of 80%. In summary, the available evidence is currently insufficient to determine the role of this variant in disease. Therefore, it has been classified as a Variant of Uncertain Significance.

NM_005228.5(EGFR):c.1770C>A (p.His590Gln)

Gene: EGFR (epidermal growth factor receptor; plus strand). Cytogenetic location: 7p11.2.
Variant type: single nucleotide variant.
Coding change: c.1770C>A on transcript NM_005228.5 (MANE Select); coding-DNA position 1770, C replaced by A.
Protein change: p.His590Gln; replaces histidine 590 with glutamine.
Molecular consequence: missense variant.
Genome position (GRCh38, 1-based): chr7:55,165,327, C>A. VCF-style: chr7-55165327-C-A. GRCh37 (hg19) VCF-style: chr7-55233020-C-A.
Other names: c.1635C>A, p.His545Gln (NM_001346897.2, NM_001346899.2); c.1770C>A, p.His590Gln (NM_001346898.2, NM_201282.2, NM_201284.2); c.1611C>A, p.His537Gln (NM_001346900.2); c.969C>A, p.His323Gln (NM_001346941.2); short protein forms H323Q, H590Q, H537Q, H545Q.
Identifiers: ClinVar variation 972485 (VCV000972485.11), dbSNP rs1785914047, ClinGen allele CA367580756.
Genomic context (GRCh38, chr7:55,165,327, plus strand): 5'-CACCTTGGTGCAGGGACCAGACAACTGTATCCAGTGTGCCCACTACATTGACGGCCCCCA[C>A]TGCGTCAAGACCTGCCCGGCAGGAGTCATGGGAGAAAACAACACCCTGGTCTGGAAGTAC-3'
Protein context (NP_005219.2, residues 580-600): IQCAHYIDGP[His590Gln]CVKTCPAGVM